The following is an entry in ClinVar:

ClinVar aggregate classification (germline): Uncertain significance (1 of 4 stars; one submission).

Conditions:
Autoimmune lymphoproliferative syndrome type 2A (ALPS2A). Also called: CASP10-Related Autoimmune Lymphoproliferative Syndrome; AUTOIMMUNE LYMPHOPROLIFERATIVE SYNDROME, TYPE IIA; Autoimmune lymphoproliferative syndrome type 2. Identifiers: Orphanet 3261, MedGen C1858968, MONDO:0011383, OMIM 603909.

Allele frequency attached by ClinVar (database versions not stated): gnomAD 0.00001; gnomAD exomes 0.00001.

Submission:

Labcorp Genetics (formerly Invitae), Labcorp
Classification: Uncertain significance for Autoimmune lymphoproliferative syndrome type 2A. Last evaluated: 2023-10-13. Review status: criteria provided, single submitter. Criteria: Invitae Variant Classification Sherloc (09022015). Collection method: clinical testing. Allele origin: germline.
Comment: This sequence change replaces glutamic acid, which is acidic and polar, with alanine, which is neutral and non-polar, at codon 164 of the CASP10 protein (p.Glu164Ala). This variant is present in population databases (no rsID available, gnomAD 0.007%). This variant has not been reported in the literature in individuals affected with CASP10-related conditions. ClinVar contains an entry for this variant (Variation ID: 467716). Advanced modeling of protein sequence and biophysical properties (such as structural, functional, and spatial information, amino acid conservation, physicochemical variation, residue mobility, and thermodynamic stability) performed at Invitae indicates that this missense variant is not expected to disrupt CASP10 protein function. In summary, the available evidence is currently insufficient to determine the role of this variant in disease. Therefore, it has been classified as a Variant of Uncertain Significance.

NM_032977.4(CASP10):c.491A>C (p.Glu164Ala)

Gene: CASP10 (caspase 10; plus strand). Cytogenetic location: 2q33.1.
Variant type: single nucleotide variant.
Coding change: c.491A>C on transcript NM_032977.4 (MANE Select); coding-DNA position 491, A replaced by C.
Protein change: p.Glu164Ala; replaces glutamic acid 164 with alanine.
Molecular consequence: missense variant.
Genome position (GRCh38, 1-based): chr2:201,193,033, A>C. VCF-style: chr2-201193033-A-C. GRCh37 (hg19) VCF-style: chr2-202057756-A-C.
Other names: c.491A>C, p.Glu164Ala (NM_001206524.2, NM_001206542.2, NM_001230.5 and 3 more transcripts); short protein forms E164A.
Identifiers: ClinVar variation 467716 (VCV000467716.11), dbSNP rs1165543405, ClinGen allele CA350278795.
Genomic context (GRCh38, chr2:201,193,033, plus strand): 5'-TTCTCTTGTAGACCTCCCTAAGTTTCCTGGCATTTCTAGAGAAACAAGGTAAAATAGATG[A>C]AGATAATCTGACATGCCTGGAGGACCTCTGCAAAACAGTTGTACCTAAACTTTTGAGAAA-3'
Protein context (NP_116759.2, residues 154-174): AFLEKQGKID[Glu164Ala]DNLTCLEDLC